The following is an entry in ClinVar:

NM_194248.3(OTOF):c.2452C>T (p.Arg818Trp)

Gene: OTOF (otoferlin; minus strand). Cytogenetic location: 2p23.3.
Variant type: single nucleotide variant.
Coding change: c.2452C>T on transcript NM_194248.3 (MANE Select); coding-DNA position 2452, C replaced by T.
Protein change: p.Arg818Trp; replaces arginine 818 with tryptophan.
Molecular consequence: missense variant.
Genome position (GRCh38, 1-based): chr2:26,477,243, G>A on the plus strand (C>T on the coding strand, the complement: OTOF is on the minus strand). VCF-style: chr2-26477243-G-A. GRCh37 (hg19) VCF-style: chr2-26700111-G-A.
Other names: c.2452C>T, p.Arg818Trp (NM_001287489.2); c.211C>T, p.Arg71Trp (NM_004802.4, NM_194323.3); c.382C>T, p.Arg128Trp (NM_194322.3); short protein forms R818W, R71W, R128W.
Identifiers: ClinVar variation 48198 (VCV000048198.14), dbSNP rs2272070, ClinGen allele CA142805.

ClinVar aggregate classification (germline): Conflicting classifications of pathogenicity. Review status: criteria provided, conflicting classifications (1 of 4 stars). 5 submissions from 5 submitters: Uncertain significance (1); Likely benign (3). 1 of the submissions does not count toward it. Last evaluated 2025-09-14.

Conditions:
Autosomal recessive nonsyndromic hearing loss 9. Also called: OTOF-Related Hearing Loss; NEUROSENSORY NONSYNDROMIC RECESSIVE DEAFNESS 9; Deafness, autosomal recessive 9; AUDITORY NEUROPATHY, AUTOSOMAL RECESSIVE, 1, TEMPERATURE-SENSITIVE. Identifiers: Orphanet 90636, MedGen C1832828, MONDO:0010986, OMIM 601071.

Allele frequency attached by ClinVar (database versions not stated): TOPMed 0.00003; gnomAD 0.00006 and 0.00007; gnomAD exomes 0.00011 and 0.00015; ExAC 0.00015; 1000 Genomes Project 30x 0.00016; 1000 Genomes Project 0.00020.
gnomAD v4.1: 226 of 1,609,026 alleles (0.014%); highest among the groups gnomAD compares: East Asian, 0.37%; 1 homozygote.

Submissions (5):

Labcorp Genetics (formerly Invitae), Labcorp
Classification: Likely benign. Last evaluated: 2025-09-14. Review status: criteria provided, single submitter. Criteria: Invitae Variant Classification Sherloc (09022015). Collection method: clinical testing. Allele origin: germline.

GeneDx
Classification: Uncertain significance. Last evaluated: 2025-03-20. Review status: criteria provided, single submitter. Criteria: GeneDx Variant Classification Process June 2021. Collection method: clinical testing. Allele origin: germline. Affected: yes.
Comment: Identified in a cohort of patients with auditory neuropathy in published literature; case-level information is limited (PMID: 22575033); In silico analysis supports that this missense variant has a deleterious effect on protein structure/function; This variant is associated with the following publications: (PMID: 31095577, 24053799, 22575033)

Illumina Laboratory Services, Illumina
Classification: Likely benign for Autosomal recessive nonsyndromic hearing loss 9. Last evaluated: 2017-04-27. Review status: criteria provided, single submitter. Criteria: ICSL Variant Classification Criteria 13 December 2019. Collection method: clinical testing. Allele origin: germline.
Comment: This variant was observed as part of a predisposition screen in an ostensibly healthy population. A literature search was performed for the gene, cDNA change, and amino acid change (where applicable). Publications were found based on this search. The evidence from the literature, in combination with allele frequency data from public databases where available, was sufficient to determine this variant is unlikely to cause disease. Therefore, this variant is classified as likely benign.

Laboratory for Molecular Medicine, Mass General Brigham Personalized Medicine
Classification: Likely benign. Last evaluated: 2012-05-14. Review status: criteria provided, single submitter. Criteria: LMM Criteria. Collection method: clinical testing. Allele origin: germline. Observed: 1 variant allele.
Comment: Arg818Trp variant exon 21 of OTOF: This variant is not expected to have clinical significance because it has been identified in 0.7% (18/2584) of chromosomes fr om a Japanese population and the racially broad HapMap project (dbSNP rs2272070) .

Diagnosis and Treatment Center of Genetic Hearing Loss, Eye & ENT Hospital of Fudan University
Classification: VUS-low for Autosomal recessive nonsyndromic hearing loss 9. Last evaluated: 2026-02-04. Review status: no assertion criteria provided. Collection method: clinical testing. Allele origin: germline. Inheritance: Autosomal recessive inheritance. Affected: yes. Not counted in ClinVar's aggregate classification.
Comment: The c.2452C>T missense variant in OTOF has a relatively high population frequency (0.0018) (BS1_Supporting) and a REVEL score of 0.483. Its significance remains uncertain.

Literature cited by the submitters: PubMed 24053799 (cited by Illumina Laboratory Services, Illumina); PubMed 22575033 (cited by Illumina Laboratory Services, Illumina).